The following is an entry in ClinVar:

NM_001037333.3(CYFIP2):c.1404G>C (p.Glu468Asp)

Gene: CYFIP2 (cytoplasmic FMR1 interacting protein 2; plus strand). Cytogenetic location: 5q33.3.
Variant type: single nucleotide variant.
Coding change: c.1404G>C on transcript NM_001037333.3 (MANE Select); coding-DNA position 1404, G replaced by C.
Protein change: p.Glu468Asp; replaces glutamic acid 468 with aspartic acid.
Molecular consequence: missense variant.
Genome position (GRCh38, 1-based): chr5:157,319,809, G>C. VCF-style: chr5-157319809-G-C. GRCh37 (hg19) VCF-style: chr5-156746817-G-C.
Other names: c.1326G>C, p.Glu442Asp (NM_001291721.2); c.1404G>C, p.Glu468Asp (NM_001291722.2, NM_014376.4); short protein forms E442D, E468D.
Identifiers: ClinVar variation 807590 (VCV000807590.5), dbSNP rs971284726, ClinGen allele CA361968887.
Genomic context (GRCh38, chr5:157,319,809, plus strand): 5'-TCTTCCTGCCCAGGTGATCGCCATGATCAAAGGCCTGCAGGTGCTCATGGGCAGGATGGA[G>C]AGCGTCTTCAACCAGGCCATCAGGAACACCATCTACGCGGCATTGCAGGACTTCGCCCAG-3'
Protein context (NP_001032410.1, residues 458-478): KGLQVLMGRM[Glu468Asp]SVFNQAIRNT

ClinVar aggregate classification (germline): Conflicting classifications of pathogenicity. Review status: criteria provided, conflicting classifications (1 of 4 stars). 3 submissions from 3 submitters: Likely pathogenic (1); Uncertain significance (2). Last evaluated 2025-07-15.

Conditions:
Developmental and epileptic encephalopathy, 65. Also called: EPILEPTIC ENCEPHALOPATHY, EARLY INFANTILE, 65. Identifiers: MedGen C4693925, MONDO:0033374, OMIM 618008.

Submissions (3):

Labcorp Genetics (formerly Invitae), Labcorp
Classification: Uncertain significance. Last evaluated: 2025-07-15. Review status: criteria provided, single submitter. Criteria: Invitae Variant Classification Sherloc (09022015). Collection method: clinical testing. Allele origin: germline.
Comment: This sequence change replaces glutamic acid, which is acidic and polar, with aspartic acid, which is acidic and polar, at codon 468 of the CYFIP2 protein (p.Glu468Asp). This variant is not present in population databases (gnomAD no frequency). This missense change has been observed in individual(s) with CYFIP2-related conditions (PMID: 33149277). In at least one individual the variant was observed to be de novo. ClinVar contains an entry for this variant (Variation ID: 807590). Experimental studies and prediction algorithms are not available or were not evaluated, and the functional significance of this variant is currently unknown. In summary, the available evidence is currently insufficient to determine the role of this variant in disease. Therefore, it has been classified as a Variant of Uncertain Significance.

Pittsburgh Clinical Genomics Laboratory, University of Pittsburgh Medical Center
Classification: Uncertain significance for Developmental and epileptic encephalopathy, 65. Last evaluated: 2023-01-27. Review status: criteria provided, single submitter. Criteria: ACMG Guidelines, 2015. Collection method: clinical testing. Allele origin: germline. Inheritance: Autosomal dominant inheritance. Affected: yes.
Comment: This sequence variant is a single nucleotide substitution (G>C) at coding position 1404 in the CYFIP2 gene which results in a glutamic acid to aspartic acid amino acid change at residue 468 in the CYFIP2 protein. This is a previously reported variant (ClinVar) which has been observed as a de novo variant in an individual whose phenotypes include developmental regression and seizures (PMID: 33149277). This variant is absent from the gnomAD population dataset (0/~282000 alleles). Multiple bioinformatic tools predict that this amino acid change will be damaging, and glutamic acid is highly conserved at this position in vertebrates. Protein crystal structure alysis suggests Glu468 interacts with BRICK1, and this variant likely weakens that interaction (PMID: 33149277). Additiolly, patient-derived fibroblasts heterozygous for this variant have decreased formation of circular dorsal ruffles, though the clinical significance of this result is unclear. At this time, there is insufficient evidence to determine if this variant is pathogenic or benign. Therefore, we consider it to be a variant of uncertain significance. ACMG Criteria: PM1, PM2, PP3

Institute of Human Genetics Munich, TUM University Hospital
Classification: Likely pathogenic for Developmental and epileptic encephalopathy, 65. Last evaluated: 2019-03-22. Review status: criteria provided, single submitter. Criteria: Classification criteria August 2017. Collection method: clinical testing. Allele origin: de novo. Inheritance: Autosomal dominant inheritance. Affected: yes. Observed: 1 heterozygote.

Literature cited by the submitters: PubMed 33149277 (cited by Labcorp Genetics (formerly Invitae), Labcorp and Pittsburgh Clinical Genomics Laboratory, University of Pittsburgh Medical Center).